The following is an entry in ClinVar:

NM_001256071.3(RNF213):c.344C>T (p.Ala115Val)

Gene: RNF213 (ring finger protein 213; plus strand). Cytogenetic location: 17q25.3.
Variant type: single nucleotide variant.
Coding change: c.344C>T on transcript NM_001256071.3 (MANE Select); coding-DNA position 344, C replaced by T.
Protein change: p.Ala115Val; replaces alanine 115 with valine.
Molecular consequence: missense variant.
Genome position (GRCh38, 1-based): chr17:80,287,897, C>T. VCF-style: chr17-80287897-C-T. GRCh37 (hg19) VCF-style: chr17-78261696-C-T.
Other names: c.491C>T, p.Ala164Val (NM_001410195.1, NM_020914.5); c.344C>T, p.Ala115Val (NM_020954.4); short protein forms A115V, A164V.
Identifiers: ClinVar variation 5000692 (VCV005000692.1).

ClinVar aggregate classification (germline): Uncertain significance (1 of 4 stars; one submission).

Conditions:
RNF213-related disorder. Also called: RNF213-related condition.

gnomAD v4.1: 1 of 1,581,452 alleles (0.000063%); highest among the groups gnomAD compares: Non-Finnish European, 0.000086%; no homozygotes.

Submission:

PreventionGenetics, part of Exact Sciences
Classification: Uncertain significance for RNF213-related condition. Last evaluated: 2026-09-18. Review status: criteria provided, single submitter. Criteria: ACMG Guidelines, 2015. Collection method: clinical testing. Allele origin: germline.
Comment: The RNF213 c.344C>T variant is predicted to result in the amino acid substitution p.Ala115Val. To our knowledge, this variant has not been reported in the literature or in a large population database (gnomAD), indicating this variant is rare. At this time, the clinical significance of this variant is uncertain due to the absence of conclusive functional and genetic evidence.